The following is an entry in ClinVar:

NM_002067.5(GNA11):c.301T>C (p.Tyr101His)

Gene: GNA11 (G protein subunit alpha 11; plus strand). Cytogenetic location: 19p13.3.
Variant type: single nucleotide variant.
Coding change: c.301T>C on transcript NM_002067.5 (MANE Select); coding-DNA position 301, T replaced by C.
Protein change: p.Tyr101His; replaces tyrosine 101 with histidine.
Molecular consequence: missense variant.
Genome position (GRCh38, 1-based): chr19:3,110,313, T>C. VCF-style: chr19-3110313-T-C. GRCh37 (hg19) VCF-style: chr19-3110311-T-C.
Other names: short protein forms Y101H.
Identifiers: ClinVar variation 3642218 (VCV003642218.2).

ClinVar aggregate classification (germline): Uncertain significance (1 of 4 stars; one submission).

Submission:

Labcorp Genetics (formerly Invitae), Labcorp
Classification: Uncertain significance. Last evaluated: 2024-04-03. Review status: criteria provided, single submitter. Criteria: Invitae Variant Classification Sherloc (09022015). Collection method: clinical testing. Allele origin: germline.
Comment: This sequence change replaces tyrosine, which is neutral and polar, with histidine, which is basic and polar, at codon 101 of the GNA11 protein (p.Tyr101His). This variant is not present in population databases (gnomAD no frequency). This variant has not been reported in the literature in individuals affected with GNA11-related conditions. Advanced modeling of protein sequence and biophysical properties (such as structural, functional, and spatial information, amino acid conservation, physicochemical variation, residue mobility, and thermodynamic stability) performed at Invitae indicates that this missense variant is expected to disrupt GNA11 protein function with a positive predictive value of 80%. In summary, the available evidence is currently insufficient to determine the role of this variant in disease. Therefore, it has been classified as a Variant of Uncertain Significance.